The following is an entry in ClinVar:

ClinVar aggregate classification (germline): Pathogenic (1 of 4 stars; one submission).

Conditions:
Cardiovascular phenotype. Identifiers: MedGen CN230736.

Submission:

Ambry Genetics
Classification: Pathogenic for Cardiovascular phenotype. Last evaluated: 2025-03-04. Review status: criteria provided, single submitter. Criteria: Ambry Variant Classification Scheme 2023. Collection method: clinical testing. Allele origin: germline.
Comment: The c.2015delC pathogenic mutation, located in coding exon 21 of the MYBPC3 gene, results from a deletion of one nucleotide at nucleotide position 2015, causing a translational frameshift with a predicted alternate stop codon (p.P672Lfs*10). This variant is considered to be rare based on population cohorts in the Genome Aggregation Database (gnomAD). This alteration is expected to result in loss of function by premature protein truncation or nonsense-mediated mRNA decay. As such, this alteration is interpreted as a disease-causing mutation.

NM_000256.3(MYBPC3):c.2015del (p.Pro672fs)

Gene: MYBPC3 (myosin binding protein C3; minus strand). Cytogenetic location: 11p11.2.
Variant type: Deletion.
Coding change: c.2015del on transcript NM_000256.3 (MANE Select); coding-DNA position 2015, one base deleted (C; older notation c.2015delC).
Protein change: p.Pro672fs; shifts the reading frame from proline 672.
Molecular consequence: frameshift variant.
Genome position (GRCh38, 1-based): chr11:47,339,703, G deleted on the plus strand (C on the coding strand, the reverse complement: MYBPC3 is on the minus strand); the first of 3 consecutive G bases (chr11:47,339,703-47,339,705); deleting any one gives the same sequence. VCF-style (leftmost placement, unchanged base first): chr11-47339702-AG-A. GRCh37 (hg19) VCF-style: chr11-47361253-AG-A.
Other names: c.2015delC (NM_000256.3); short protein forms P672fs.
Identifiers: ClinVar variation 1784461 (VCV001784461.3), dbSNP rs2495756173, ClinGen allele CA2580084196.